The following is an entry in ClinVar:

NM_000748.3(CHRNB2):c.1459A>G (p.Thr487Ala)

Gene: CHRNB2 (cholinergic receptor nicotinic beta 2 subunit; plus strand). Cytogenetic location: 1q21.3.
Variant type: single nucleotide variant.
Coding change: c.1459A>G on transcript NM_000748.3 (MANE Select); coding-DNA position 1459, A replaced by G.
Protein change: p.Thr487Ala; replaces threonine 487 with alanine.
Molecular consequence: missense variant.
Genome position (GRCh38, 1-based): chr1:154,575,882, A>G. VCF-style: chr1-154575882-A-G. GRCh37 (hg19) VCF-style: chr1-154548358-A-G.
Other names: short protein forms T487A.
Identifiers: ClinVar variation 951739 (VCV000951739.9), dbSNP rs1420884732, ClinGen allele CA342633195.

ClinVar aggregate classification (germline): Uncertain significance (1 of 4 stars; one submission).

Conditions:
Familial sleep-related hypermotor epilepsy. Also called: Autosomal Dominant Sleep-Related Hypermotor (Hyperkinetic) Epilepsy. Identifiers: Orphanet 98784, MedGen C3696898, MONDO:0000030.

Allele frequency attached by ClinVar (database versions not stated): gnomAD exomes below 0.00001; gnomAD 0.00001.

Submission:

Labcorp Genetics (formerly Invitae), Labcorp
Classification: Uncertain significance. Last evaluated: 2020-02-06. Review status: criteria provided, single submitter. Criteria: Invitae Variant Classification Sherloc (09022015). Collection method: clinical testing. Allele origin: germline.
Comment: In summary, the available evidence is currently insufficient to determine the role of this variant in disease. Therefore, it has been classified as a Variant of Uncertain Significance. Algorithms developed to predict the effect of missense changes on protein structure and function output the following: SIFT: "Tolerated"; PolyPhen-2: "Benign"; Align-GVGD: "Class C0". The alanine amino acid residue is found in multiple mammalian species, suggesting that this missense change does not adversely affect protein function. These predictions have not been confirmed by published functional studies and their clinical significance is uncertain. This variant has not been reported in the literature in individuals with CHRNB2-related conditions. This variant is not present in population databases (ExAC no frequency). This sequence change replaces threonine with alanine at codon 487 of the CHRNB2 protein (p.Thr487Ala). The threonine residue is moderately conserved and there is a small physicochemical difference between threonine and alanine.